The following is an entry in ClinVar:

ClinVar aggregate classification (germline): Uncertain significance (1 of 4 stars; one submission).

Allele frequency attached by ClinVar (database versions not stated): ExAC 0.00003; gnomAD 0.00003; TOPMed 0.00003; ESP Exome Variant Server 0.00008.
gnomAD v4.1: 43 of 1,613,960 alleles (0.0027%); highest among the groups gnomAD compares: Non-Finnish European, 0.0034%; no homozygotes.

Submission:

Ambry Genetics
Classification: Uncertain significance. Last evaluated: 2024-09-17. Review status: criteria provided, single submitter. Criteria: Ambry Variant Classification Scheme 2023. Collection method: clinical testing. Allele origin: germline.
Comment: The p.I414K variant (also known as c.1241T>A), located in coding exon 7 of the PKP4 gene, results from a T to A substitution at nucleotide position 1241. The isoleucine at codon 414 is replaced by lysine, an amino acid with dissimilar properties. This amino acid position is conserved. In addition, this alteration is predicted to be deleterious by in silico analysis. Since supporting evidence is limited at this time, the clinical significance of this alteration remains unclear.

NM_003628.6(PKP4):c.1241T>A (p.Ile414Lys)

Gene: PKP4 (plakophilin 4; plus strand). Cytogenetic location: 2q24.1.
Variant type: single nucleotide variant.
Coding change: c.1241T>A on transcript NM_003628.6 (MANE Select); coding-DNA position 1241, T replaced by A.
Protein change: p.Ile414Lys; replaces isoleucine 414 with lysine.
Molecular consequence: missense variant.
Genome position (GRCh38, 1-based): chr2:158,631,840, T>A. VCF-style: chr2-158631840-T-A. GRCh37 (hg19) VCF-style: chr2-159488352-T-A.
Other names: c.1241T>A, p.Ile414Lys (NM_001005476.4, NM_001304969.3, NM_001304971.2 and 6 more transcripts); c.215T>A, p.Ile72Lys (NM_001304970.3); c.1235T>A, p.Ile412Lys (NM_001377222.1, NM_001377223.1, NM_001377224.1); short protein forms I414K, I72K, I412K.
Identifiers: ClinVar variation 1758487 (VCV001758487.3), dbSNP rs138066392, ClinGen allele CA1920643.